The following is an entry in ClinVar:

ClinVar aggregate classification (germline): Uncertain significance (1 of 4 stars; one submission).

Conditions:
Hereditary breast ovarian cancer syndrome. Also called: Hereditary breast and ovarian cancer syndrome; Hereditary breast and ovarian cancer syndrome (HBOC); BRCA1- and BRCA2-Associated Hereditary Breast and Ovarian Cancer; Hereditary breast and ovarian cancer; Breast and ovarian cancer; Hereditary breast and/or ovarian cancer syndrome. Identifiers: Orphanet 145, MedGen C0677776, MeSH D061325, MONDO:0003582. Disease mechanism: loss of function.

Submission:

Labcorp Genetics (formerly Invitae), Labcorp
Classification: Uncertain significance for Hereditary breast ovarian cancer syndrome. Last evaluated: 2024-08-15. Review status: criteria provided, single submitter. Criteria: Invitae Variant Classification Sherloc (09022015). Collection method: clinical testing. Allele origin: germline.
Comment: This sequence change replaces lysine, which is basic and polar, with arginine, which is basic and polar, at codon 829 of the BRCA2 protein (p.Lys829Arg). This variant is not present in population databases (gnomAD no frequency). This variant has not been reported in the literature in individuals affected with BRCA2-related conditions. Invitae Evidence Modeling of protein sequence and biophysical properties (such as structural, functional, and spatial information, amino acid conservation, physicochemical variation, residue mobility, and thermodynamic stability) indicates that this missense variant is not expected to disrupt BRCA2 protein function with a negative predictive value of 95%. In summary, the available evidence is currently insufficient to determine the role of this variant in disease. Therefore, it has been classified as a Variant of Uncertain Significance.

NM_000059.4(BRCA2):c.2486A>G (p.Lys829Arg)

Gene: BRCA2 (BRCA2 DNA repair associated; plus strand). Cytogenetic location: 13q13.1.
Variant type: single nucleotide variant.
Coding change: c.2486A>G on transcript NM_000059.4 (MANE Select); coding-DNA position 2486, A replaced by G.
Protein change: p.Lys829Arg; replaces lysine 829 with arginine.
Molecular consequence: missense variant. On other transcripts: non-coding transcript variant (1), intron variant (2).
Genome position (GRCh38, 1-based): chr13:32,336,841, A>G. VCF-style: chr13-32336841-A-G. GRCh37 (hg19) VCF-style: chr13-32910978-A-G.
Other names: c.2486A>G, p.Lys829Arg (NM_001406719.1, NM_001406720.1, NM_001432077.1); c.1909+3454A>G (NM_001406721.1); c.424+5811A>G (NM_001406722.1); short protein forms K829R.
Identifiers: ClinVar variation 3636441 (VCV003636441.2).